The following is an entry in ClinVar:

ClinVar aggregate classification (germline): Uncertain significance (1 of 4 stars; one submission).

gnomAD v4.1: 1 of 1,614,220 alleles (0.000062%); highest among the groups gnomAD compares: Non-Finnish European, 0.000085%; no homozygotes.

Submission:

Labcorp Genetics (formerly Invitae), Labcorp
Classification: Uncertain significance. Last evaluated: 2024-11-21. Review status: criteria provided, single submitter. Criteria: Invitae Variant Classification Sherloc (09022015). Collection method: clinical testing. Allele origin: germline.
Comment: This sequence change replaces serine, which is neutral and polar, with leucine, which is neutral and non-polar, at codon 695 of the TNNI3K protein (p.Ser695Leu). This variant is not present in population databases (gnomAD no frequency). This variant has not been reported in the literature in individuals affected with TNNI3K-related conditions. An algorithm developed to predict the effect of missense changes on protein structure and function (PolyPhen-2) suggests that this variant is likely to be tolerated. In summary, the available evidence is currently insufficient to determine the role of this variant in disease. Therefore, it has been classified as a Variant of Uncertain Significance.

NM_015978.3(TNNI3K):c.2084C>T (p.Ser695Leu)

Genes: FPGT-TNNI3K (FPGT-TNNI3K readthrough; plus strand), TNNI3K (TNNI3 interacting kinase; plus strand). Cytogenetic location: 1p31.1.
Variant type: single nucleotide variant.
Coding change: c.2084C>T on transcript NM_015978.3 (MANE Select); coding-DNA position 2084, C replaced by T.
Protein change: p.Ser695Leu; replaces serine 695 with leucine.
Molecular consequence: missense variant.
Genome position (GRCh38, 1-based): chr1:74,463,513, C>T. VCF-style: chr1-74463513-C-T. GRCh37 (hg19) VCF-style: chr1-74929197-C-T.
Other names: c.2387C>T, p.Ser796Leu (NM_001112808.3, NM_001199327.2); short protein forms S796L, S695L.
Identifiers: ClinVar variation 3698325 (VCV003698325.2).